The following is an entry in ClinVar:

NM_021116.4(ADCY1):c.2739C>T (p.Tyr913=)

Gene: ADCY1 (adenylate cyclase 1; plus strand). Cytogenetic location: 7p12.3.
Variant type: single nucleotide variant.
Coding change: c.2739C>T on transcript NM_021116.4 (MANE Select); coding-DNA position 2739, C replaced by T.
Protein change: p.Tyr913=; no amino-acid change (tyrosine 913 retained).
Molecular consequence: synonymous variant.
Genome position (GRCh38, 1-based): chr7:45,704,538, C>T. VCF-style: chr7-45704538-C-T. GRCh37 (hg19) VCF-style: chr7-45744137-C-T.
Identifiers: ClinVar variation 780677 (VCV000780677.11), dbSNP rs138777362, ClinGen allele CA4249342.
Genomic context (GRCh38, chr7:45,704,538, plus strand): 5'-ATGTTATGTCATGTTTAACAGTTTTATGTTTTAAACAAAGCTCATGGAAAAAGACTTTTA[C>T]AAGGACATAGAGAAGATCAAGACCATCGGGAGCACCTACATGGCCGCTGTGGGGCTAGCG-3'
Protein context (NP_066939.1, residues 903-923): DFDELMEKDF[Tyr913=]KDIEKIKTIG

ClinVar aggregate classification (germline): Likely benign. Review status: criteria provided, multiple submitters, no conflicts (2 of 4 stars). 4 submissions from 4 submitters: Likely benign (4). Last evaluated 2025-10-09.

Conditions:
ADCY1-related disorder. Also called: ADCY1-related condition.

Allele frequency attached by ClinVar (database versions not stated): gnomAD exomes 0.00008 and 0.00011; ExAC 0.00010; gnomAD 0.00016 and 0.00017; 1000 Genomes Project 0.00020; TOPMed 0.00023; 1000 Genomes Project 30x 0.00031; ESP Exome Variant Server 0.00038.
gnomAD v4.1: 151 of 1,614,110 alleles (0.0094%); highest among the groups gnomAD compares: Middle Eastern, 0.083%; no homozygotes.

Submissions (4):

PreventionGenetics, part of Exact Sciences
Classification: Likely benign for ADCY1-related condition. Last evaluated: 2025-10-09. Review status: criteria provided, single submitter. Criteria: ACMG Guidelines, 2015. Collection method: clinical testing. Allele origin: germline.
Comment: This variant is classified as likely benign based on ACMG/AMP sequence variant interpretation guidelines (Richards et al. 2015 PMID: 25741868, with internal and published modifications).

Labcorp Genetics (formerly Invitae), Labcorp
Classification: Likely benign. Last evaluated: 2025-08-10. Review status: criteria provided, single submitter. Criteria: Invitae Variant Classification Sherloc (09022015). Collection method: clinical testing. Allele origin: germline.

Blueprint Genetics
Classification: Likely benign. Last evaluated: 2024-10-31. Review status: criteria provided, single submitter. Criteria: ACMG Guidelines, 2015. Collection method: clinical testing. Allele origin: germline.

GeneDx
Classification: Likely benign. Last evaluated: 2020-08-18. Review status: criteria provided, single submitter. Criteria: GeneDx Variant Classification Process June 2021. Collection method: clinical testing. Allele origin: germline. Affected: yes.